The following is an entry in ClinVar:

NM_173630.4(RTTN):c.4702A>G (p.Thr1568Ala)

Gene: RTTN (rotatin; minus strand). Cytogenetic location: 18q22.2.
Variant type: single nucleotide variant.
Coding change: c.4702A>G on transcript NM_173630.4 (MANE Select); coding-DNA position 4702, A replaced by G.
Protein change: p.Thr1568Ala; replaces threonine 1568 with alanine.
Molecular consequence: missense variant.
Genome position (GRCh38, 1-based): chr18:70,065,874, T>C on the plus strand (A>G on the coding strand, the complement: RTTN is on the minus strand). VCF-style: chr18-70065874-T-C. GRCh37 (hg19) VCF-style: chr18-67733110-T-C.
Other names: c.1966A>G, p.Thr656Ala (NM_001318520.2); c.4702A>G (NM_173630.3); short protein forms T1568A, T656A.
Identifiers: ClinVar variation 2416578 (VCV002416578.7), dbSNP rs371806483, ClinGen allele CA8995155.

ClinVar aggregate classification (germline): Conflicting classifications of pathogenicity. Review status: criteria provided, conflicting classifications (1 of 4 stars). 3 submissions from 3 submitters: Uncertain significance (2); Likely benign (1). Last evaluated 2026-02-05.

Conditions:
Inborn genetic diseases. Identifiers: MedGen C0950123, MeSH D030342.

Allele frequency attached by ClinVar (database versions not stated): gnomAD exomes below 0.00001; ExAC 0.00002; gnomAD 0.00005; TOPMed 0.00006; ESP Exome Variant Server 0.00008.
gnomAD v4.1: 15 of 1,602,896 alleles (0.00094%); highest among the groups gnomAD compares: African/African-American, 0.016%; no homozygotes.

Submissions (3):

Women's Health and Genetics/Laboratory Corporation of America, LabCorp
Classification: Uncertain significance. Last evaluated: 2026-02-05. Review status: criteria provided, single submitter. Criteria: LabCorp Variant Classification Summary - May 2015. Collection method: clinical testing. Allele origin: germline.
Comment: Variant summary: RTTN c.4702A>G (p.Thr1568Ala) results in a non-conservative amino acid change in the encoded protein sequence. Algorithms developed to predict the effect of missense changes on protein structure and function are either unavailable or do not agree on the potential impact of this missense change. The variant allele was found at a frequency of 1.6e-05 in 246712 control chromosomes. The available data on variant occurrences in the general population are insufficient to allow any conclusion about variant significance. To our knowledge, no occurrence of c.4702A>G in individuals affected with RTTN-related conditions and no experimental evidence demonstrating its impact on protein function have been reported. ClinVar contains an entry for this variant (Variation ID: 2416578). Based on the evidence outlined above, the variant was classified as uncertain significance.

Ambry Genetics
Classification: Likely benign for Inborn genetic diseases. Last evaluated: 2025-12-31. Review status: criteria provided, single submitter. Criteria: Ambry Variant Classification Scheme 2023. Collection method: clinical testing. Allele origin: germline.

Labcorp Genetics (formerly Invitae), Labcorp
Classification: Uncertain significance. Last evaluated: 2024-06-04. Review status: criteria provided, single submitter. Criteria: Invitae Variant Classification Sherloc (09022015). Collection method: clinical testing. Allele origin: germline.
Comment: This sequence change replaces threonine, which is neutral and polar, with alanine, which is neutral and non-polar, at codon 1568 of the RTTN protein (p.Thr1568Ala). This variant is present in population databases (rs371806483, gnomAD 0.02%). This variant has not been reported in the literature in individuals affected with RTTN-related conditions. ClinVar contains an entry for this variant (Variation ID: 2416578). Advanced modeling of protein sequence and biophysical properties (such as structural, functional, and spatial information, amino acid conservation, physicochemical variation, residue mobility, and thermodynamic stability) performed at Invitae indicates that this missense variant is not expected to disrupt RTTN protein function with a negative predictive value of 80%. In summary, the available evidence is currently insufficient to determine the role of this variant in disease. Therefore, it has been classified as a Variant of Uncertain Significance.